The following is an entry in ClinVar:

NM_001805.4(CEBPE):c.436G>T (p.Ala146Ser)

Gene: CEBPE (CCAAT enhancer binding protein epsilon; minus strand). Cytogenetic location: 14q11.2.
Variant type: single nucleotide variant.
Coding change: c.436G>T on transcript NM_001805.4 (MANE Select); coding-DNA position 436, G replaced by T.
Protein change: p.Ala146Ser; replaces alanine 146 with serine.
Molecular consequence: missense variant.
Genome position (GRCh38, 1-based): chr14:23,118,656, C>A on the plus strand (G>T on the coding strand, the complement: CEBPE is on the minus strand). VCF-style: chr14-23118656-C-A. GRCh37 (hg19) VCF-style: chr14-23587865-C-A.
Other names: short protein forms A146S.
Identifiers: ClinVar variation 1960332 (VCV001960332.5), dbSNP rs769511891, ClinGen allele CA7111213.

ClinVar aggregate classification (germline): Uncertain significance (1 of 4 stars; one submission).

Conditions:
Specific granule deficiency. Identifiers: Orphanet 169142, MedGen C0398593, MONDO:0009506.

Allele frequency attached by ClinVar (database versions not stated): gnomAD exomes 0.00001; ExAC 0.00003.

Submission:

Labcorp Genetics (formerly Invitae), Labcorp
Classification: Uncertain significance for Specific granule deficiency. Last evaluated: 2022-08-09. Review status: criteria provided, single submitter. Criteria: Invitae Variant Classification Sherloc (09022015). Collection method: clinical testing. Allele origin: germline.
Comment: In summary, the available evidence is currently insufficient to determine the role of this variant in disease. Therefore, it has been classified as a Variant of Uncertain Significance. Algorithms developed to predict the effect of missense changes on protein structure and function are either unavailable or do not agree on the potential impact of this missense change (SIFT: "Tolerated"; PolyPhen-2: "Probably Damaging"; Align-GVGD: "Class C0"). This variant has not been reported in the literature in individuals affected with CEBPE-related conditions. This variant is present in population databases (rs769511891, gnomAD 0.007%). This sequence change replaces alanine, which is neutral and non-polar, with serine, which is neutral and polar, at codon 146 of the CEBPE protein (p.Ala146Ser).